The following is an entry in ClinVar:

ClinVar aggregate classification (germline): Uncertain significance (1 of 4 stars; one submission).

Conditions:
Cardiovascular phenotype. Identifiers: MedGen CN230736.

gnomAD v4.1: 1 of 1,613,874 alleles (0.000062%); highest among the groups gnomAD compares: Non-Finnish European, 0.000085%; no homozygotes.

Submission:

Ambry Genetics
Classification: Uncertain significance for Cardiovascular phenotype. Last evaluated: 2024-01-27. Review status: criteria provided, single submitter. Criteria: Ambry Variant Classification Scheme 2023. Collection method: clinical testing. Allele origin: germline.
Comment: The p.R1460L variant (also known as c.4379G>T), located in coding exon 25 of the SCN10A gene, results from a G to T substitution at nucleotide position 4379. The arginine at codon 1460 is replaced by leucine, an amino acid with dissimilar properties. This amino acid position is conserved. In addition, this alteration is predicted to be deleterious by in silico analysis. Based on the available evidence, the clinical significance of this alteration remains unclear.

NM_006514.4(SCN10A):c.4379G>T (p.Arg1460Leu)

Gene: SCN10A (sodium voltage-gated channel alpha subunit 10; minus strand). Cytogenetic location: 3p22.2.
Variant type: single nucleotide variant.
Coding change: c.4379G>T on transcript NM_006514.4 (MANE Select); coding-DNA position 4379, G replaced by T.
Protein change: p.Arg1460Leu; replaces arginine 1460 with leucine.
Molecular consequence: missense variant.
Genome position (GRCh38, 1-based): chr3:38,707,286, C>A on the plus strand (G>T on the coding strand, the complement: SCN10A is on the minus strand). VCF-style: chr3-38707286-C-A. GRCh37 (hg19) VCF-style: chr3-38748777-C-A.
Other names: c.4376G>T, p.Arg1459Leu (NM_001293306.2); c.4085G>T, p.Arg1362Leu (NM_001293307.2); short protein forms R1362L, R1459L, R1460L.
Identifiers: ClinVar variation 3225660 (VCV003225660.1), dbSNP rs369399424, ClinGen allele CA352148361.